The following is an entry in ClinVar:

ClinVar aggregate classification (germline): Uncertain significance (1 of 4 stars; one submission).

Submission:

CeGaT Center for Human Genetics Tuebingen
Classification: Uncertain significance. Last evaluated: 2024-12-01. Review status: criteria provided, single submitter. Criteria: CeGaT Center For Human Genetics Tuebingen Variant Classification Criteria Version 2. Collection method: clinical testing. Allele origin: germline. Affected: yes. Observed: 1 variant allele.
Comment: KMT2C: PM2

NM_170606.3(KMT2C):c.2437C>T (p.Pro813Ser)

Gene: KMT2C (lysine methyltransferase 2C; minus strand). Cytogenetic location: 7q36.1.
Variant type: single nucleotide variant.
Coding change: c.2437C>T on transcript NM_170606.3 (MANE Select); coding-DNA position 2437, C replaced by T.
Protein change: p.Pro813Ser; replaces proline 813 with serine.
Molecular consequence: missense variant.
Genome position (GRCh38, 1-based): chr7:152,247,997, G>A on the plus strand (C>T on the coding strand, the complement: KMT2C is on the minus strand). VCF-style: chr7-152247997-G-A. GRCh37 (hg19) VCF-style: chr7-151945082-G-A.
Other names: short protein forms P813S.
Identifiers: ClinVar variation 3771009 (VCV003771009.13).